The following is an entry in ClinVar:

ClinVar aggregate classification (germline): Conflicting classifications of pathogenicity. Review status: criteria provided, conflicting classifications (1 of 4 stars). 2 submissions from 2 submitters: Uncertain significance (1); Likely benign (1). Last evaluated 2025-12-13.

Conditions:
Niemann-Pick disease, type C1. Also called: NEUROVISCERAL STORAGE DISEASE WITH VERTICAL SUPRANUCLEAR OPHTHALMOPLEGIA; NIEMANN-PICK DISEASE WITH CHOLESTEROL ESTERIFICATION BLOCK; NIEMANN-PICK DISEASE WITHOUT SPHINGOMYELINASE DEFICIENCY; NIEMANN-PICK DISEASE, CHRONIC NEURONOPATHIC FORM; NIEMANN-PICK DISEASE, VARIANT TYPE C1. Identifiers: Orphanet 646, MedGen C3179455, MONDO:0009757, OMIM 257220.

Allele frequency attached by ClinVar (database versions not stated): TOPMed 0.00002; gnomAD 0.00005; ExAC 0.00008.
gnomAD v4.1: 78 of 1,613,886 alleles (0.0048%); highest among the groups gnomAD compares: South Asian, 0.0044%; no homozygotes.

Submissions (2):

Labcorp Genetics (formerly Invitae), Labcorp
Classification: Likely benign for Niemann-Pick disease, type C1. Last evaluated: 2025-12-13. Review status: criteria provided, single submitter. Criteria: Invitae Variant Classification Sherloc (09022015). Collection method: clinical testing. Allele origin: germline.

Illumina Laboratory Services, Illumina
Classification: Uncertain significance for Niemann-Pick disease type C1. Last evaluated: 2017-04-27. Review status: criteria provided, single submitter. Criteria: ICSL Variant Classification Criteria 13 December 2019. Collection method: clinical testing. Allele origin: germline.
Comment: This variant was observed as part of a predisposition screen in an ostensibly healthy population. A literature search was performed for the gene, cDNA change, and amino acid change (where applicable). Publications were found based on this search. However, the evidence from the literature, in combination with allele frequency data from public databases where available, was not sufficient to rule this variant in or out of causing disease. Therefore, this variant is classified as a variant of unknown significance.

Literature cited by the submitters: PubMed 24386122 (cited by Illumina Laboratory Services, Illumina).

NM_000271.5(NPC1):c.1430C>T (p.Thr477Met)

Gene: NPC1 (NPC intracellular cholesterol transporter 1; minus strand). Cytogenetic location: 18q11.2.
Variant type: single nucleotide variant.
Coding change: c.1430C>T on transcript NM_000271.5 (MANE Select); coding-DNA position 1430, C replaced by T.
Protein change: p.Thr477Met; replaces threonine 477 with methionine.
Molecular consequence: missense variant.
Genome position (GRCh38, 1-based): chr18:23,554,881, G>A on the plus strand (C>T on the coding strand, the complement: NPC1 is on the minus strand). VCF-style: chr18-23554881-G-A. GRCh37 (hg19) VCF-style: chr18-21134845-G-A.
Other names: short protein forms T477M.
Identifiers: ClinVar variation 889537 (VCV000889537.13), dbSNP rs761459069, ClinGen allele CA8913466.